The following is an entry in ClinVar:

ClinVar aggregate classification (germline): Likely benign (1 of 4 stars; one submission).

Conditions:
PLXNA1-related disorder. Also called: PLXNA1-related condition.

Submission:

PreventionGenetics, part of Exact Sciences
Classification: Likely benign for PLXNA1-related condition. Last evaluated: 2025-02-24. Review status: criteria provided, single submitter. Criteria: ACMG Guidelines, 2015. Collection method: clinical testing. Allele origin: germline.
Comment: This variant is classified as likely benign based on ACMG/AMP sequence variant interpretation guidelines (Richards et al. 2015 PMID: 25741868, with internal and published modifications).

NM_032242.4(PLXNA1):c.1827C>G (p.Val609=)

Gene: PLXNA1 (plexin A1; plus strand). Cytogenetic location: 3q21.3.
Variant type: single nucleotide variant.
Coding change: c.1827C>G on transcript NM_032242.4 (MANE Select); coding-DNA position 1827, C replaced by G.
Protein change: p.Val609=; no amino-acid change (valine 609 retained).
Molecular consequence: synonymous variant.
Genome position (GRCh38, 1-based): chr3:127,005,173, C>G. VCF-style: chr3-127005173-C-G. GRCh37 (hg19) VCF-style: chr3-126724016-C-G.
Identifiers: ClinVar variation 4998992 (VCV004998992.1).